The following is an entry in ClinVar:

ClinVar aggregate classification (germline): Uncertain significance. Review status: criteria provided, multiple submitters, no conflicts (2 of 4 stars). 2 submissions from 2 submitters: Uncertain significance (2). Last evaluated 2025-04-28.

Conditions:
Familial cold autoinflammatory syndrome 2 (FCAS2). Identifiers: Orphanet 247868, MedGen C2673198, MONDO:0012724, OMIM 611762.

Allele frequency attached by ClinVar (database versions not stated): TOPMed below 0.00001; gnomAD exomes 0.00003.
gnomAD v4.1: 43 of 1,613,944 alleles (0.0027%); highest among the groups gnomAD compares: Non-Finnish European, 0.0036%; no homozygotes.

Submissions (2):

Labcorp Genetics (formerly Invitae), Labcorp
Classification: Uncertain significance for Familial cold autoinflammatory syndrome 2. Last evaluated: 2025-04-28. Review status: criteria provided, single submitter. Criteria: Invitae Variant Classification Sherloc (09022015). Collection method: clinical testing. Allele origin: germline.
Comment: This sequence change replaces arginine, which is basic and polar, with glycine, which is neutral and non-polar, at codon 1046 of the NLRP12 protein (p.Arg1046Gly). This variant is not present in population databases (gnomAD no frequency). This variant has not been reported in the literature in individuals affected with NLRP12-related conditions. ClinVar contains an entry for this variant (Variation ID: 1488679). An algorithm developed to predict the effect of missense changes on protein structure and function (PolyPhen-2) suggests that this variant is likely to be tolerated. In summary, the available evidence is currently insufficient to determine the role of this variant in disease. Therefore, it has been classified as a Variant of Uncertain Significance.

Dasa
Classification: Uncertain significance. Last evaluated: 2025-04-22. Review status: criteria provided, single submitter. Criteria: DASA Assertion Criteria. Collection method: clinical testing. Allele origin: germline.
Comment: NM_144687.4(NLRP12):c.3136A>G (p.Arg1046Gly) is a missense variant that results in the substitution of arginine with glycine. This variant is rare in population databases. Computational prediction algorithms are consistent with a benign effect. The currently available literature and clinical evidence are not sufficient to establish a definitive association between this variant and the reported condition. Therefore, this variant is classified as a variant of uncertain significance.

NM_144687.4(NLRP12):c.3136A>G (p.Arg1046Gly)

Gene: NLRP12 (NLR family pyrin domain containing 12; minus strand). Cytogenetic location: 19q13.42.
Variant type: single nucleotide variant.
Coding change: c.3136A>G on transcript NM_144687.4 (MANE Select); coding-DNA position 3136, A replaced by G.
Protein change: p.Arg1046Gly; replaces arginine 1046 with glycine.
Molecular consequence: missense variant.
Genome position (GRCh38, 1-based): chr19:53,794,099, T>C on the plus strand (A>G on the coding strand, the complement: NLRP12 is on the minus strand). VCF-style: chr19-53794099-T-C. GRCh37 (hg19) VCF-style: chr19-54297353-T-C.
Other names: c.3139A>G, p.Arg1047Gly (NM_001277126.2); c.2965A>G, p.Arg989Gly (NM_001277129.1); short protein forms R1046G, R1047G, R989G.
Identifiers: ClinVar variation 1488679 (VCV001488679.10), dbSNP rs934460879, ClinGen allele CA310056785.